The following is an entry in ClinVar:

ClinVar aggregate classification (germline): Uncertain significance (1 of 4 stars; one submission).

Conditions:
Hereditary cancer-predisposing syndrome. Also called: Neoplastic Syndromes, Hereditary; Tumor predisposition; Hereditary Cancer Syndrome; Hereditary neoplastic syndrome. Identifiers: Orphanet 140162, MedGen C0027672, MeSH D009386, MONDO:0015356.

Submission:

Ambry Genetics
Classification: Uncertain significance for Hereditary cancer-predisposing syndrome. Last evaluated: 2026-06-09. Review status: criteria provided, single submitter. Criteria: Ambry Variant Classification Scheme 2023. Collection method: clinical testing. Allele origin: germline.
Comment: The c.5506_5508delGGA variant (also known as p.G1836del) is located in coding exon 15 of the APC gene. This variant results from an in-frame GGA deletion at nucleotide positions 5506 to 5508. This results in the in-frame deletion of a glycine at codon 1836. This amino acid position is well conserved in available vertebrate species. In addition, the in silico prediction for this variant is inconclusive (Choi Y et al. PLoS ONE. 2012; 7(10):e46688). Based on the available evidence, the clinical significance of this variant remains unclear.

NM_000038.6(APC):c.5506_5508del (p.Gly1836del)

Gene: APC (APC regulator of Wnt signaling pathway; plus strand). Cytogenetic location: 5q22.2.
Variant type: Deletion.
Coding change: c.5506_5508del on transcript NM_000038.6 (MANE Select); coding-DNA positions 5506 to 5508, 3 bases deleted (GGA; older notation c.5506_5508delGGA).
Protein change: p.Gly1836del; deletes glycine 1836.
Molecular consequence: inframe deletion. On other transcripts: non-coding transcript variant (2).
Genome position (GRCh38, 1-based): chr5:112,841,100-112,841,102, GGA deleted; deleting any 3 consecutive bases within chr5:112,841,098-112,841,102 gives the same sequence; the c. name uses the placement nearest the transcript's 3' end. VCF-style (leftmost placement, unchanged base first): chr5-112841097-AGAG-A. GRCh37 (hg19) VCF-style: chr5-112176794-AGAG-A.
Other names: c.5506_5508del, p.Gly1836del (NM_001127510.3, NM_001354895.2, NM_001407450.1); c.5452_5454del, p.Gly1818del (NM_001127511.3); c.5560_5562del, p.Gly1854del (NM_001354896.2, NM_001407447.1, NM_001407448.1 and 1 more transcripts); c.5536_5538del, p.Gly1846del (NM_001354897.2); c.5431_5433del, p.Gly1811del (NM_001354898.2); c.5422_5424del, p.Gly1808del (NM_001354899.2); c.5383_5385del, p.Gly1795del (NM_001354900.2); c.5329_5331del, p.Gly1777del (NM_001354901.2, NM_001407453.1); and 11 more; short protein forms G1452del, G1553del, G1676del, G1707del, G1710del, G1735del, G1745del, G1753del.
Identifiers: ClinVar variation 4861975 (VCV004861975.1).